The following is an entry in ClinVar:

ClinVar aggregate classification (germline): Pathogenic/Likely pathogenic. Review status: criteria provided, multiple submitters, no conflicts (2 of 4 stars). 2 submissions from 2 submitters: Pathogenic (1); Likely pathogenic (1). Last evaluated 2024-05-28.

Conditions:
NAGLU-related disorder. Also called: NAGLU-related condition.
Mucopolysaccharidosis, MPS-III-B (MPS3B). Also called: N-ACETYL-ALPHA-D-GLUCOSAMINIDASE DEFICIENCY; NAGLU DEFICIENCY; SANFILIPPO SYNDROME B; MPS III B; MPS IIIB (Sanfilippo Syndrome Type B); MUCOPOLYSACCHARIDOSIS, TYPE IIIB. Identifiers: Orphanet 79270, MedGen C0086648, MONDO:0009656, OMIM 252920.
Charcot-Marie-Tooth disease axonal type 2V. Also called: CHARCOT-MARIE-TOOTH NEUROPATHY, TYPE 2V; CHARCOT-MARIE-TOOTH DISEASE, AXONAL, AUTOSOMAL DOMINANT, TYPE 2V. Identifiers: Orphanet 447964, MedGen C5569050, MONDO:0014665, OMIM 616491.

Allele frequency attached by ClinVar (database versions not stated): gnomAD exomes below 0.00001; TOPMed below 0.00001.
gnomAD v4.1: 2 of 1,612,946 alleles (0.00012%); highest among the groups gnomAD compares: Non-Finnish European, 0.00017%; no homozygotes.

Submissions (2):

Blueprint Genetics
Classification: Likely pathogenic for NAGLU-related disorders. Last evaluated: 2024-05-28. Review status: criteria provided, single submitter. Criteria: ACMG Guidelines, 2015. Collection method: clinical testing. Allele origin: germline. Affected: yes. Observed: 3 variant alleles.

Labcorp Genetics (formerly Invitae), Labcorp
Classification: Pathogenic for Charcot-Marie-Tooth disease axonal type 2V; Mucopolysaccharidosis, MPS-III-B. Last evaluated: 2024-04-02. Review status: criteria provided, single submitter. Criteria: Invitae Variant Classification Sherloc (09022015). Collection method: clinical testing. Allele origin: germline.
Comment: This sequence change replaces leucine, which is neutral and non-polar, with arginine, which is basic and polar, at codon 561 of the NAGLU protein (p.Leu561Arg). This variant is not present in population databases (gnomAD no frequency). This missense change has been observed in individual(s) with mucopolysaccharidosis type III (PMID: 9950362). ClinVar contains an entry for this variant (Variation ID: 1503288). Advanced modeling of protein sequence and biophysical properties (such as structural, functional, and spatial information, amino acid conservation, physicochemical variation, residue mobility, and thermodynamic stability) performed at Invitae indicates that this missense variant is expected to disrupt NAGLU protein function with a positive predictive value of 95%. This variant disrupts the p.Leu561 amino acid residue in NAGLU. Other variant(s) that disrupt this residue have been determined to be pathogenic (Invitae). This suggests that this residue is clinically significant, and that variants that disrupt this residue are likely to be disease-causing. For these reasons, this variant has been classified as Pathogenic.

Literature cited by the submitters: PubMed 9950362 (cited by Labcorp Genetics (formerly Invitae), Labcorp).

NM_000263.4(NAGLU):c.1682T>G (p.Leu561Arg)

Gene: NAGLU (N-acetyl-alpha-glucosaminidase; plus strand). Cytogenetic location: 17q21.2.
Variant type: single nucleotide variant.
Coding change: c.1682T>G on transcript NM_000263.4 (MANE Select); coding-DNA position 1682, T replaced by G.
Protein change: p.Leu561Arg; replaces leucine 561 with arginine.
Molecular consequence: missense variant.
Genome position (GRCh38, 1-based): chr17:42,543,688, T>G. VCF-style: chr17-42543688-T-G. GRCh37 (hg19) VCF-style: chr17-40695706-T-G.
Other names: short protein forms L561R.
Identifiers: ClinVar variation 1503288 (VCV001503288.7), dbSNP rs2092928624, ClinGen allele CA399604461.
Genomic context (GRCh38, chr17:42,543,688, plus strand): 5'-GGCTGCTGCTCACATCTGCTCCCTCCCTGGCCACCAGCCCCGCCTTCCGCTACGACCTGC[T>G]GGACCTCACTCGGCAGGCAGTGCAGGAGCTGGTCAGCTTGTACTATGAGGAGGCAAGAAG-3'
Protein context (NP_000254.2, residues 551-571): ATSPAFRYDL[Leu561Arg]DLTRQAVQEL